The following is an entry in ClinVar:

ClinVar aggregate classification (germline): Uncertain significance (1 of 4 stars; one submission).

Conditions:
Autosomal dominant nocturnal frontal lobe epilepsy 5. Also called: Epilepsy, nocturnal frontal lobe, 5; CILIARY DYSKINESIA, PRIMARY, 28, WITHOUT SITUS INVERSUS; CILIARY DYSKINESIA, PRIMARY, 28, WITH SITUS INVERSUS; KCNT1-Related Epilepsy. Identifiers: Orphanet 98784, MedGen C3554306, MONDO:0014002, OMIM 615005.
Developmental and epileptic encephalopathy, 14 (DEE14). Also called: Early infantile epileptic encephalopathy 14. Identifiers: Orphanet 293181, MedGen C3554195, MONDO:0013989, OMIM 614959.

Allele frequency attached by ClinVar (database versions not stated): ExAC 0.00001; gnomAD exomes 0.00002.

Submission:

Labcorp Genetics (formerly Invitae), Labcorp
Classification: Uncertain significance for Autosomal dominant nocturnal frontal lobe epilepsy 5; Developmental and epileptic encephalopathy, 14. Last evaluated: 2023-01-10. Review status: criteria provided, single submitter. Criteria: Invitae Variant Classification Sherloc (09022015). Collection method: clinical testing. Allele origin: germline.
Comment: In summary, the available evidence is currently insufficient to determine the role of this variant in disease. Therefore, it has been classified as a Variant of Uncertain Significance. Advanced modeling of protein sequence and biophysical properties (such as structural, functional, and spatial information, amino acid conservation, physicochemical variation, residue mobility, and thermodynamic stability) performed at Invitae indicates that this missense variant is not expected to disrupt KCNT1 protein function. This variant has not been reported in the literature in individuals affected with KCNT1-related conditions. This variant is present in population databases (rs780280853, gnomAD 0.003%). This sequence change replaces asparagine, which is neutral and polar, with serine, which is neutral and polar, at codon 163 of the KCNT1 protein (p.Asn163Ser).

NM_020822.3(KCNT1):c.488A>G (p.Asn163Ser)

Gene: KCNT1 (potassium sodium-activated channel subfamily T member 1; plus strand). Cytogenetic location: 9q34.3.
Variant type: single nucleotide variant.
Coding change: c.488A>G on transcript NM_020822.3 (MANE Select); coding-DNA position 488, A replaced by G.
Protein change: p.Asn163Ser; replaces asparagine 163 with serine.
Molecular consequence: missense variant.
Genome position (GRCh38, 1-based): chr9:135,753,990, A>G. VCF-style: chr9-135753990-A-G. GRCh37 (hg19) VCF-style: chr9-138645836-A-G.
Other names: c.344A>G, p.Asn115Ser (NM_001272003.2); short protein forms N115S, N163S.
Identifiers: ClinVar variation 2937618 (VCV002937618.3), dbSNP rs780280853, ClinGen allele CA5326454.